The following is an entry in ClinVar:

NM_001297.5(CNGB1):c.2681G>A (p.Arg894His)

Gene: CNGB1 (cyclic nucleotide gated channel subunit beta 1; minus strand). Cytogenetic location: 16q21.
Variant type: single nucleotide variant.
Coding change: c.2681G>A on transcript NM_001297.5 (MANE Select); coding-DNA position 2681, G replaced by A.
Protein change: p.Arg894His; replaces arginine 894 with histidine.
Molecular consequence: missense variant.
Genome position (GRCh38, 1-based): chr16:57,903,935, C>T on the plus strand (G>A on the coding strand, the complement: CNGB1 is on the minus strand). VCF-style: chr16-57903935-C-T. GRCh37 (hg19) VCF-style: chr16-57937839-C-T.
Other names: c.2663G>A, p.Arg888His (NM_001286130.2); short protein forms R894H, R888H.
Identifiers: ClinVar variation 236510 (VCV000236510.12), dbSNP rs146762538, ClinGen allele CA8082859.

ClinVar aggregate classification (germline): Likely benign. Review status: criteria provided, multiple submitters, no conflicts (2 of 4 stars). 4 submissions from 4 submitters: Likely benign (3). 1 of the submissions does not count toward it. Last evaluated 2025-12-03.

Conditions:
CNGB1-related disorder. Also called: CNGB1-related condition.
Retinal dystrophy. Also called: Inherited retinal dystrophy. Identifiers: Orphanet 71862, MedGen C0854723, MeSH D058499, MONDO:0019118, HP:0000556.

Allele frequency attached by ClinVar (database versions not stated): TOPMed 0.00025; gnomAD exomes 0.00027 and 0.00044; ExAC 0.00039; 1000 Genomes Project 0.00040; gnomAD 0.00043 and 0.00038; 1000 Genomes Project 30x 0.00031; ESP Exome Variant Server 0.00032.
gnomAD v4.1: 451 of 1,614,044 alleles (0.028%); highest among the groups gnomAD compares: Non-Finnish European, 0.021%; no homozygotes.

Submissions (4):

Labcorp Genetics (formerly Invitae), Labcorp
Classification: Likely benign. Last evaluated: 2025-12-03. Review status: criteria provided, single submitter. Criteria: Invitae Variant Classification Sherloc (09022015). Collection method: clinical testing. Allele origin: germline.

PreventionGenetics, part of Exact Sciences
Classification: Likely benign for CNGB1-related condition. Last evaluated: 2025-09-24. Review status: criteria provided, single submitter. Criteria: ACMG Guidelines, 2015. Collection method: clinical testing. Allele origin: germline.
Comment: This variant is classified as likely benign based on ACMG/AMP sequence variant interpretation guidelines (Richards et al. 2015 PMID: 25741868, with internal and published modifications).

Blueprint Genetics
Classification: Likely benign. Last evaluated: 2024-11-20. Review status: criteria provided, single submitter. Criteria: ACMG Guidelines, 2015. Collection method: clinical testing. Allele origin: germline.

Centre for Genomic Medicine, Manchester, Central Manchester University Hospitals
Classification: Uncertain significance for Retinal dystrophy. Review status: no assertion criteria provided. Collection method: clinical testing. Allele origin: germline. Affected: yes. Not counted in ClinVar's aggregate classification.